The following is an entry in ClinVar:

ClinVar aggregate classification (germline): Pathogenic. Review status: criteria provided, multiple submitters, no conflicts (2 of 4 stars). 2 submissions from 2 submitters: Pathogenic (2). Last evaluated 2025-05-27.

Submissions (2):

Revvity Omics, Revvity
Classification: Pathogenic. Last evaluated: 2025-05-27. Review status: criteria provided, single submitter. Criteria: ACMG Guidelines, 2015. Collection method: clinical testing. Allele origin: germline.

Labcorp Genetics (formerly Invitae), Labcorp
Classification: Pathogenic. Last evaluated: 2023-12-19. Review status: criteria provided, single submitter. Criteria: Invitae Variant Classification Sherloc (09022015). Collection method: clinical testing. Allele origin: germline.
Comment: This sequence change creates a premature translational stop signal (p.Arg77Glyfs*29) in the NR2E3 gene. It is expected to result in an absent or disrupted protein product. Loss-of-function variants in NR2E3 are known to be pathogenic (PMID: 15459973, 27522502). This variant is present in population databases (rs772903026, gnomAD 0.004%). This variant has not been reported in the literature in individuals affected with NR2E3-related conditions. For these reasons, this variant has been classified as Pathogenic.

Literature cited by the submitters: PubMed 15459973 (cited by Labcorp Genetics (formerly Invitae), Labcorp); PubMed 27522502 (cited by Labcorp Genetics (formerly Invitae), Labcorp).

NM_014249.4(NR2E3):c.228del (p.Arg77fs)

Gene: NR2E3 (nuclear receptor subfamily 2 group E member 3; plus strand). Cytogenetic location: 15q23.
Variant type: Deletion.
Coding change: c.228del on transcript NM_014249.4 (MANE Select); coding-DNA position 228, one base deleted (G; older notation c.228delG).
Protein change: p.Arg77fs; shifts the reading frame from arginine 77.
Molecular consequence: frameshift variant.
Genome position (GRCh38, 1-based): chr15:71,811,592, G deleted; the last of 2 consecutive G bases (chr15:71,811,591-71,811,592); deleting either gives the same sequence. VCF-style (leftmost placement, unchanged base first): chr15-71811590-CG-C. GRCh37 (hg19) VCF-style: chr15-72103930-CG-C.
Other names: c.228del, p.Arg77fs (NM_016346.4); short protein forms R77fs.
Identifiers: ClinVar variation 2911846 (VCV002911846.4), dbSNP rs772903026, ClinGen allele CA7640246.